The following is an entry in ClinVar:

NM_006767.4(LZTR1):c.792-1G>C

Gene: LZTR1 (leucine zipper like post translational regulator 1; plus strand). Cytogenetic location: 22q11.21.
Variant type: single nucleotide variant.
Coding change: c.792-1G>C on transcript NM_006767.4 (MANE Select); the canonical splice acceptor site of the intron before coding-DNA position 792, G replaced by C.
Molecular consequence: splice acceptor variant.
Genome position (GRCh38, 1-based): chr22:20,991,627, G>C. VCF-style: chr22-20991627-G-C. GRCh37 (hg19) VCF-style: chr22-21345916-G-C.
Identifiers: ClinVar variation 2703938 (VCV002703938.5), dbSNP rs761185148, ClinGen allele CA410781064.

ClinVar aggregate classification (germline): Likely pathogenic. Review status: criteria provided, multiple submitters, no conflicts (2 of 4 stars). 2 submissions from 2 submitters: Likely pathogenic (2). Last evaluated 2023-12-22.

Conditions:
Noonan syndrome 2 (NS2). Identifiers: Orphanet 648, MedGen C1854469, MONDO:0011531, OMIM 605275.
Noonan syndrome 10 (NS10). Identifiers: Orphanet 648, MedGen C4225280, MONDO:0014693, OMIM 616564.
LZTR1-related schwannomatosis. Also called: Schwannomatosis 2; Schwannomatosis-2, susceptibility to. Identifiers: Orphanet 93921, MedGen C3810283, MONDO:0014299, OMIM 615670.

gnomAD v4.1: 5 of 1,584,134 alleles (0.00032%); highest among the groups gnomAD compares: East Asian, 0.0023%; no homozygotes.

Submissions (2):

Labcorp Genetics (formerly Invitae), Labcorp
Classification: Likely pathogenic. Last evaluated: 2023-12-22. Review status: criteria provided, single submitter. Criteria: Invitae Variant Classification Sherloc (09022015). Collection method: clinical testing. Allele origin: germline.
Comment: This sequence change affects an acceptor splice site in intron 8 of the LZTR1 gene. It is expected to disrupt RNA splicing. Variants that disrupt the donor or acceptor splice site typically lead to a loss of protein function (PMID: 16199547), and loss-of-function variants in LZTR1 are known to be pathogenic (PMID: 24362817, 25335493, 25480913, 25795793, 29469822, 30368668, 30442762, 30442766, 30481304, 30859559). This variant is not present in population databases (gnomAD no frequency). This variant has not been reported in the literature in individuals affected with LZTR1-related conditions. Algorithms developed to predict the effect of sequence changes on RNA splicing suggest that this variant may disrupt the consensus splice site. In summary, the currently available evidence indicates that the variant is pathogenic, but additional data are needed to prove that conclusively. Therefore, this variant has been classified as Likely Pathogenic.

Juno Genomics, Hangzhou Juno Genomics, Inc
Classification: Likely pathogenic for LZTR1-related schwannomatosis; Noonan syndrome 10; Noonan syndrome 2. Review status: criteria provided, single submitter. Criteria: ACMG Guidelines, 2015. Collection method: clinical testing. Allele origin: germline.
Comment: Null variant in a gene where loss of function (LOF) is a known mechanism of disease.;Absent from controls (or at extremely low frequency if recessive) in Genome Aggregation Database.

Literature cited by the submitters: PubMed 16199547 (cited by Labcorp Genetics (formerly Invitae), Labcorp); PubMed 24362817 (cited by Labcorp Genetics (formerly Invitae), Labcorp); PubMed 25335493 (cited by Labcorp Genetics (formerly Invitae), Labcorp); PubMed 25480913 (cited by Labcorp Genetics (formerly Invitae), Labcorp); PubMed 25795793 (cited by Labcorp Genetics (formerly Invitae), Labcorp); PubMed 29469822 (cited by Labcorp Genetics (formerly Invitae), Labcorp); PubMed 30368668 (cited by Labcorp Genetics (formerly Invitae), Labcorp); PubMed 30442762 (cited by Labcorp Genetics (formerly Invitae), Labcorp); PubMed 30442766 (cited by Labcorp Genetics (formerly Invitae), Labcorp); PubMed 30481304 (cited by Labcorp Genetics (formerly Invitae), Labcorp); PubMed 30859559 (cited by Labcorp Genetics (formerly Invitae), Labcorp).